The following is an entry in ClinVar:

NM_001017420.3(ESCO2):c.577C>T (p.Arg193Trp)

Gene: ESCO2 (establishment of sister chromatid cohesion N-acetyltransferase 2; plus strand). Cytogenetic location: 8p21.1.
Variant type: single nucleotide variant.
Coding change: c.577C>T on transcript NM_001017420.3 (MANE Select); coding-DNA position 577, C replaced by T.
Protein change: p.Arg193Trp; replaces arginine 193 with tryptophan.
Molecular consequence: missense variant.
Genome position (GRCh38, 1-based): chr8:27,776,885, C>T. VCF-style: chr8-27776885-C-T. GRCh37 (hg19) VCF-style: chr8-27634402-C-T.
Other names: short protein forms R193W.
Identifiers: ClinVar variation 287532 (VCV000287532.12), dbSNP rs143539004, ClinGen allele CA4692074.
Genomic context (GRCh38, chr8:27,776,885, plus strand): 5'-AAGCCAATTGTGGAGAAGGAAAATAATTGTCATTCAGCTGAAAATAATTCCAATGCTCCT[C>T]GGGTTCTGAGCCAAAAAATAAAACCACAAGTTACACTCCAGGGTGGAGCAGCATTTTTTG-3'
Protein context (NP_001017420.1, residues 183-203): HSAENNSNAP[Arg193Trp]VLSQKIKPQV

ClinVar aggregate classification (germline): Conflicting classifications of pathogenicity. Review status: criteria provided, conflicting classifications (1 of 4 stars). 5 submissions from 5 submitters: Uncertain significance (3); Likely benign (1). 1 of the submissions does not count toward it. Last evaluated 2022-10-25.

Conditions:
Roberts-SC phocomelia syndrome (RBS). Also called: ESCO2 Spectrum Disorder; Pseudothalidomide syndrome; Appelt-Gerken-Lenz syndrome; LONG BONE DEFICIENCIES ASSOCIATED WITH CLEFT LIP-PALATE; Hypomelia hypotrichosis facial hemangioma syndrome. Identifiers: Orphanet 3103, MedGen C0392475, MONDO:0100253, OMIM 268300.
ESCO2-related disorder. Also called: ESCO2-related condition.
Inborn genetic diseases. Identifiers: MedGen C0950123, MeSH D030342.

Allele frequency attached by ClinVar (database versions not stated): gnomAD 0.00080 and 0.00079; gnomAD exomes 0.00106 and 0.00072; ESP Exome Variant Server 0.00046; TOPMed 0.00070; ExAC 0.00076.

Submissions (5):

Labcorp Genetics (formerly Invitae), Labcorp
Classification: Uncertain significance. Last evaluated: 2022-10-25. Review status: criteria provided, single submitter. Criteria: Invitae Variant Classification Sherloc (09022015). Collection method: clinical testing. Allele origin: germline.
Comment: This sequence change replaces arginine, which is basic and polar, with tryptophan, which is neutral and slightly polar, at codon 193 of the ESCO2 protein (p.Arg193Trp). This variant is present in population databases (rs143539004, gnomAD 0.1%), and has an allele count higher than expected for a pathogenic variant. This variant has not been reported in the literature in individuals affected with ESCO2-related conditions. ClinVar contains an entry for this variant (Variation ID: 287532). Algorithms developed to predict the effect of missense changes on protein structure and function are either unavailable or do not agree on the potential impact of this missense change (SIFT: "Deleterious"; PolyPhen-2: "Probably Damaging"; Align-GVGD: "Class C0"). In summary, the available evidence is currently insufficient to determine the role of this variant in disease. Therefore, it has been classified as a Variant of Uncertain Significance.

Ambry Genetics
Classification: Likely benign for Inborn genetic diseases. Last evaluated: 2021-05-17. Review status: criteria provided, single submitter. Criteria: Ambry Variant Classification Scheme 2023. Collection method: clinical testing. Allele origin: germline.

Illumina Laboratory Services, Illumina
Classification: Uncertain significance for Roberts-SC phocomelia syndrome. Last evaluated: 2018-01-13. Review status: criteria provided, single submitter. Criteria: ICSL Variant Classification Criteria 13 December 2019. Collection method: clinical testing. Allele origin: germline.

Eurofins Ntd Llc (ga)
Classification: Uncertain significance. Last evaluated: 2016-05-03. Review status: criteria provided, single submitter. Criteria: EGL Classification Definitions 2015. Collection method: clinical testing. Allele origin: germline. Observed: 2 variant alleles, 2 heterozygotes.

PreventionGenetics, part of Exact Sciences
Classification: Uncertain significance for ESCO2-related condition. Last evaluated: 2024-07-30. Review status: no assertion criteria provided. Collection method: clinical testing. Allele origin: germline. Not counted in ClinVar's aggregate classification.
Comment: The ESCO2 c.577C>T variant is predicted to result in the amino acid substitution p.Arg193Trp. To our knowledge, this variant has not been reported in the literature. This variant is reported in 0.13% of alleles in individuals of European (Non-Finnish) descent in gnomAD. Although we suspect that this variant may be benign, at this time, the clinical significance of this variant is uncertain due to the absence of conclusive functional and genetic evidence.